The following is an entry in ClinVar:

NM_199420.4(POLQ):c.708G>T (p.Lys236Asn)

Gene: POLQ (DNA polymerase theta; minus strand). Cytogenetic location: 3q13.33.
Variant type: single nucleotide variant.
Coding change: c.708G>T on transcript NM_199420.4 (MANE Select); coding-DNA position 708, G replaced by T.
Protein change: p.Lys236Asn; replaces lysine 236 with asparagine.
Molecular consequence: missense variant.
Genome position (GRCh38, 1-based): chr3:121,537,132, C>A on the plus strand (G>T on the coding strand, the complement: POLQ is on the minus strand). VCF-style: chr3-121537132-C-A. GRCh37 (hg19) VCF-style: chr3-121255979-C-A.
Other names: short protein forms K236N.
Identifiers: ClinVar variation 1757092 (VCV001757092.3), dbSNP rs1212128789, ClinGen allele CA354090454.

ClinVar aggregate classification (germline): Uncertain significance (1 of 4 stars; one submission).

gnomAD v4.1: 1 of 1,593,220 alleles (0.000063%); highest among the groups gnomAD compares: African/African-American, 0.0013%; no homozygotes.

Submission:

Ambry Genetics
Classification: Uncertain significance. Last evaluated: 2024-07-27. Review status: criteria provided, single submitter. Criteria: Ambry Variant Classification Scheme 2023. Collection method: clinical testing. Allele origin: germline.
Comment: The p.K236N variant (also known as c.708G>T), located in coding exon 5 of the POLQ gene, results from a G to T substitution at nucleotide position 708. The lysine at codon 236 is replaced by asparagine, an amino acid with similar properties. This amino acid position is conserved. In addition, this alteration is predicted to be tolerated by in silico analysis. Since supporting evidence is limited at this time, the clinical significance of this alteration remains unclear.